The following is an entry in ClinVar:

ClinVar aggregate classification (germline): Uncertain significance (1 of 4 stars; one submission).

Conditions:
Inborn genetic diseases. Identifiers: MedGen C0950123, MeSH D030342.

gnomAD v4.1: 2 of 1,612,566 alleles (0.00012%); highest among the groups gnomAD compares: Non-Finnish European, 0.00017%; no homozygotes.

Submission:

Ambry Genetics
Classification: Uncertain significance for Inborn genetic diseases. Last evaluated: 2025-01-20. Review status: criteria provided, single submitter. Criteria: Ambry Variant Classification Scheme 2023. Collection method: clinical testing. Allele origin: germline.
Comment: The p.R185G variant (also known as c.553A>G), located in coding exon 3 of the ERCC6L2 gene, results from an A to G substitution at nucleotide position 553. The arginine at codon 185 is replaced by glycine, an amino acid with dissimilar properties. This amino acid position is conserved. In addition, the in silico prediction for this alteration is inconclusive. Based on the available evidence, the clinical significance of this variant remains unclear.

NM_020207.7(ERCC6L2):c.553A>G (p.Arg185Gly)

Gene: ERCC6L2 (ERCC excision repair 6 like 2; plus strand). Cytogenetic location: 9q22.32.
Variant type: single nucleotide variant.
Coding change: c.553A>G on transcript NM_020207.7 (MANE Select); coding-DNA position 553, A replaced by G.
Protein change: p.Arg185Gly; replaces arginine 185 with glycine.
Molecular consequence: missense variant. On other transcripts: non-coding transcript variant (1).
Genome position (GRCh38, 1-based): chr9:95,897,930, A>G. VCF-style: chr9-95897930-A-G. GRCh37 (hg19) VCF-style: chr9-98660212-A-G.
Other names: c.553A>G, p.Arg185Gly (NM_001010895.4, NM_001375291.1, NM_001375292.1 and 2 more transcripts); short protein forms R185G.
Identifiers: ClinVar variation 3845885 (VCV003845885.1).